The following is an entry in ClinVar:

ClinVar aggregate classification (germline): Uncertain significance (1 of 4 stars; one submission).

Allele frequency attached by ClinVar (database versions not stated): gnomAD 0.00001; ExAC 0.00002; 1000 Genomes Project 30x 0.00016; 1000 Genomes Project 0.00020.
gnomAD v4.1: 2 of 1,614,070 alleles (0.00012%); highest among the groups gnomAD compares: East Asian, 0.0022%; no homozygotes.

Submission:

Labcorp Genetics (formerly Invitae), Labcorp
Classification: Uncertain significance. Last evaluated: 2023-08-04. Review status: criteria provided, single submitter. Criteria: Invitae Variant Classification Sherloc (09022015). Collection method: clinical testing. Allele origin: germline.
Comment: In summary, the available evidence is currently insufficient to determine the role of this variant in disease. Therefore, it has been classified as a Variant of Uncertain Significance. Algorithms developed to predict the effect of missense changes on protein structure and function output the following: SIFT: "Not Available"; PolyPhen-2: "Benign"; Align-GVGD: "Not Available". The valine amino acid residue is found in multiple mammalian species, which suggests that this missense change does not adversely affect protein function. ClinVar contains an entry for this variant (Variation ID: 1381234). This sequence change replaces glycine, which is neutral and non-polar, with valine, which is neutral and non-polar, at codon 393 of the C8A protein (p.Gly393Val). This variant is present in population databases (rs574061980, gnomAD 0.01%). This variant has not been reported in the literature in individuals affected with C8A-related conditions.

NM_000562.3(C8A):c.1178G>T (p.Gly393Val)

Gene: C8A (complement C8 alpha chain; plus strand). Cytogenetic location: 1p32.2.
Variant type: single nucleotide variant.
Coding change: c.1178G>T on transcript NM_000562.3 (MANE Select); coding-DNA position 1178, G replaced by T.
Protein change: p.Gly393Val; replaces glycine 393 with valine.
Molecular consequence: missense variant.
Genome position (GRCh38, 1-based): chr1:56,906,748, G>T. VCF-style: chr1-56906748-G-T. GRCh37 (hg19) VCF-style: chr1-57372421-G-T.
Other names: short protein forms G393V.
Identifiers: ClinVar variation 1381234 (VCV001381234.6), dbSNP rs574061980, ClinGen allele CA875267.
Genomic context (GRCh38, chr1:56,906,748, plus strand): 5'-CGACATGTTTTGGAGGCTCCTTGGGCATTCAATATGAAGACAAAATAAATGTTGGTGGAG[G>T]TTTATCAGGAGACCATTGTAAAAAATTTGGAGGTGGCAAAACTGGCAAGTGTTTAGTAAT-3'
Protein context (NP_000553.1, residues 383-403): QYEDKINVGG[Gly393Val]LSGDHCKKFG